The following is an entry in ClinVar:

ClinVar aggregate classification (germline): Uncertain significance. Review status: criteria provided, multiple submitters, no conflicts (2 of 4 stars). 3 submissions from 3 submitters: Uncertain significance (3). Last evaluated 2025-09-14.

Conditions:
Hereditary cancer-predisposing syndrome. Also called: Neoplastic Syndromes, Hereditary; Tumor predisposition; Hereditary Cancer Syndrome; Hereditary neoplastic syndrome. Identifiers: Orphanet 140162, MedGen C0027672, MeSH D009386, MONDO:0015356.
Ataxia-telangiectasia syndrome (AT). Also called: LOUIS-BAR SYNDROME; Cerebello-oculocutaneous telangiectasia; Immunodeficiency with ataxia telangiectasia; Ataxia telangiectasia (A-T); Ataxia-telangiectasia, complementation group D; AT, COMPLEMENTATION GROUP C. Identifiers: Orphanet 100, MedGen C0004135, MONDO:0008840, OMIM 208900.

Allele frequency attached by ClinVar (database versions not stated): gnomAD exomes below 0.00001.
gnomAD v4.1: 3 of 1,614,194 alleles (0.00019%); highest among the groups gnomAD compares: Non-Finnish European, 0.00017%; no homozygotes.

Submissions (3):

Ambry Genetics
Classification: Uncertain significance for Hereditary cancer-predisposing syndrome. Last evaluated: 2025-09-14. Review status: criteria provided, single submitter. Criteria: Ambry Variant Classification Scheme 2023. Collection method: clinical testing. Allele origin: germline.
Comment: The p.L2447F variant (also known as c.7341G>C), located in coding exon 49 of the ATM gene, results from a G to C substitution at nucleotide position 7341. The leucine at codon 2447 is replaced by phenylalanine, an amino acid with highly similar properties. This alteration has been reported in at least one subject in a study of 13087 breast cancer cases and 5488 control individuals in the UK (Decker B et al. J Med Genet, 2017 11;54:732-741). This amino acid position is highly conserved in available vertebrate species. In addition, the in silico prediction for this alteration is inconclusive. Since supporting evidence is limited at this time, the clinical significance of this alteration remains unclear.

Labcorp Genetics (formerly Invitae), Labcorp
Classification: Uncertain significance for Ataxia-telangiectasia syndrome. Last evaluated: 2023-05-04. Review status: criteria provided, single submitter. Criteria: Invitae Variant Classification Sherloc (09022015). Collection method: clinical testing. Allele origin: germline.
Comment: In summary, the available evidence is currently insufficient to determine the role of this variant in disease. Therefore, it has been classified as a Variant of Uncertain Significance. An algorithm developed to predict the effect of missense changes on protein structure and function (PolyPhen-2) suggests that this variant is likely to be tolerated. ClinVar contains an entry for this variant (Variation ID: 1498844). This missense change has been observed in individual(s) with prostate cancer (PMID: 33436325). This variant is not present in population databases (gnomAD no frequency). This sequence change replaces leucine, which is neutral and non-polar, with phenylalanine, which is neutral and non-polar, at codon 2447 of the ATM protein (p.Leu2447Phe).

Color Diagnostics, LLC DBA Color Health
Classification: Uncertain significance for Hereditary cancer-predisposing syndrome. Last evaluated: 2023-01-09. Review status: criteria provided, single submitter. Criteria: ACMG Guidelines, 2015. Collection method: clinical testing. Allele origin: germline.
Comment: This missense variant replaces leucine with phenylalanine at codon 2447 of the ATM protein. Computational prediction is inconclusive regarding the impact of this variant on protein structure and function (internally defined REVEL score threshold 0.5 < inconclusive < 0.7, PMID: 27666373). To our knowledge, functional studies have not been reported for this variant. This variant has not been reported in individuals affected with ATM-related disorders in the literature. This variant has not been identified in the general population by the Genome Aggregation Database (gnomAD). The available evidence is insufficient to determine the role of this variant in disease conclusively. Therefore, this variant is classified as a Variant of Uncertain Significance.

Literature cited by the submitters: PubMed 28779002 (cited by Ambry Genetics); PubMed 33436325 (cited by Labcorp Genetics (formerly Invitae), Labcorp).

NM_000051.4(ATM):c.7341G>C (p.Leu2447Phe)

Genes: ATM (ATM serine/threonine kinase; plus strand), C11orf65 (chromosome 11 open reading frame 65; minus strand). Cytogenetic location: 11q22.3.
Variant type: single nucleotide variant.
Coding change: c.7341G>C on transcript NM_000051.4 (MANE Select); coding-DNA position 7341, G replaced by C.
Protein change: p.Leu2447Phe; replaces leucine 2447 with phenylalanine.
Molecular consequence: missense variant. On other transcripts: intron variant (2).
Genome position (GRCh38, 1-based): chr11:108,330,247, G>C. VCF-style: chr11-108330247-G-C. GRCh37 (hg19) VCF-style: chr11-108200974-G-C.
Other names: c.7341G>C, p.Leu2447Phe (NM_001351834.2); c.641-21176C>G (NM_001330368.2); c.*38+4973C>G (NM_001351110.2); short protein forms L2447F.
Identifiers: ClinVar variation 1498844 (VCV001498844.10), dbSNP rs2136453829, ClinGen allele CA382559921.